The following is an entry in ClinVar:

NM_003482.4(KMT2D):c.10326C>T (p.Gly3442=)

Gene: KMT2D (lysine methyltransferase 2D; minus strand). Cytogenetic location: 12q13.12.
Variant type: single nucleotide variant.
Coding change: c.10326C>T on transcript NM_003482.4 (MANE Select); coding-DNA position 10326, C replaced by T.
Protein change: p.Gly3442=; no amino-acid change (glycine 3442 retained).
Molecular consequence: synonymous variant.
Genome position (GRCh38, 1-based): chr12:49,034,841, G>A on the plus strand (C>T on the coding strand, the complement: KMT2D is on the minus strand). VCF-style: chr12-49034841-G-A. GRCh37 (hg19) VCF-style: chr12-49428624-G-A.
Identifiers: ClinVar variation 2076315 (VCV002076315.10), dbSNP rs758559100, ClinGen allele CA6546552.

ClinVar aggregate classification (germline): Benign/Likely benign. Review status: criteria provided, multiple submitters, no conflicts (2 of 4 stars). 2 submissions from 2 submitters: Benign (1); Likely benign (1). Last evaluated 2025-11-01.

Conditions:
Kabuki syndrome. Also called: Kabuki make-up syndrome; NIIKAWA-KUROKI SYNDROME. Identifiers: Orphanet 2322, MedGen C0796004, MONDO:0016512.

Allele frequency attached by ClinVar (database versions not stated): ExAC 0.00001; gnomAD exomes 0.00001; TOPMed 0.00001.
gnomAD v4.1: 3 of 1,613,972 alleles (0.00019%); highest among the groups gnomAD compares: Admixed American, 0.005%; no homozygotes.

Submissions (2):

CeGaT Center for Human Genetics Tuebingen
Classification: Likely benign. Last evaluated: 2025-11-01. Review status: criteria provided, single submitter. Criteria: CeGaT Center For Human Genetics Tuebingen Variant Classification Criteria Version 2. Collection method: clinical testing. Allele origin: germline. Affected: yes. Observed: 1 variant allele.
Comment: KMT2D: BP4, BP7

Labcorp Genetics (formerly Invitae), Labcorp
Classification: Benign for Kabuki syndrome. Last evaluated: 2025-07-27. Review status: criteria provided, single submitter. Criteria: Invitae Variant Classification Sherloc (09022015). Collection method: clinical testing. Allele origin: germline.